The following is an entry in ClinVar:

ClinVar aggregate classification (germline): Uncertain significance (1 of 4 stars; one submission).

Allele frequency attached by ClinVar (database versions not stated): TOPMed below 0.00001; gnomAD 0.00001.

Submission:

Labcorp Genetics (formerly Invitae), Labcorp
Classification: Uncertain significance. Last evaluated: 2025-09-02. Review status: criteria provided, single submitter. Criteria: Invitae Variant Classification Sherloc (09022015). Collection method: clinical testing. Allele origin: germline.
Comment: This sequence change replaces proline, which is neutral and non-polar, with threonine, which is neutral and polar, at codon 303 of the TUBGCP6 protein (p.Pro303Thr). This variant is present in population databases (no rsID available, gnomAD 0.007%). This variant has not been reported in the literature in individuals affected with TUBGCP6-related conditions. ClinVar contains an entry for this variant (Variation ID: 2131433). An algorithm developed to predict the effect of missense changes on protein structure and function outputs the following: PolyPhen-2: "Possibly Damaging". The threonine amino acid residue is found in multiple mammalian species, which suggests that this missense change does not adversely affect protein function. In summary, the available evidence is currently insufficient to determine the role of this variant in disease. Therefore, it has been classified as a Variant of Uncertain Significance.

NM_020461.4(TUBGCP6):c.907C>A (p.Pro303Thr)

Gene: TUBGCP6 (tubulin gamma complex component 6; minus strand). Cytogenetic location: 22q13.33.
Variant type: single nucleotide variant.
Coding change: c.907C>A on transcript NM_020461.4 (MANE Select); coding-DNA position 907, C replaced by A.
Protein change: p.Pro303Thr; replaces proline 303 with threonine.
Molecular consequence: missense variant.
Genome position (GRCh38, 1-based): chr22:50,233,525, G>T on the plus strand (C>A on the coding strand, the complement: TUBGCP6 is on the minus strand). VCF-style: chr22-50233525-G-T. GRCh37 (hg19) VCF-style: chr22-50671954-G-T.
Other names: short protein forms P303T.
Identifiers: ClinVar variation 2131433 (VCV002131433.4), dbSNP rs1175721781, ClinGen allele CA412110430.